The following is an entry in ClinVar:

ClinVar aggregate classification (germline): Likely benign. Review status: criteria provided, multiple submitters, no conflicts (2 of 4 stars). 3 submissions from 3 submitters: Likely benign (3). Last evaluated 2025-03-01.

Conditions:
Autosomal dominant Robinow syndrome 2. Identifiers: Orphanet 3107, Orphanet 97360, MedGen C4225363, MONDO:0014591, OMIM 616331.

gnomAD v4.1: 667 of 1,548,500 alleles (0.043%); highest among the groups gnomAD compares: Non-Finnish European, 0.053%; no homozygotes.

Submissions (3):

CeGaT Center for Human Genetics Tuebingen
Classification: Likely benign. Last evaluated: 2025-03-01. Review status: criteria provided, single submitter. Criteria: CeGaT Center For Human Genetics Tuebingen Variant Classification Criteria Version 2. Collection method: clinical testing. Allele origin: germline. Affected: yes. Observed: 1 variant allele.
Comment: DVL1: BP4, BS2

Blueprint Genetics
Classification: Likely benign. Last evaluated: 2024-09-25. Review status: criteria provided, single submitter. Criteria: ACMG Guidelines, 2015. Collection method: clinical testing. Allele origin: germline.

Department of Pathology and Laboratory Medicine, Sinai Health System
Classification: Likely benign for autosomal dominant Robinow syndrome 2. Last evaluated: 2021-11-24. Review status: criteria provided, single submitter. Criteria: ACMG Guidelines, 2015. Collection method: research. Allele origin: germline.

NM_001330311.2(DVL1):c.1163G>C (p.Arg388Pro)

Gene: DVL1 (dishevelled segment polarity protein 1; minus strand). Cytogenetic location: 1p36.33.
Variant type: single nucleotide variant.
Coding change: c.1163G>C on transcript NM_001330311.2 (MANE Select); coding-DNA position 1163, G replaced by C.
Protein change: p.Arg388Pro; replaces arginine 388 with proline.
Molecular consequence: missense variant. On other transcripts: intron variant (1).
Genome position (GRCh38, 1-based): chr1:1,339,331, C>G on the plus strand (G>C on the coding strand, the complement: DVL1 is on the minus strand). VCF-style: chr1-1339331-C-G. GRCh37 (hg19) VCF-style: chr1-1274711-C-G.
Other names: c.1132+31G>C (NM_004421.3); short protein forms R388P.
Identifiers: ClinVar variation 3777766 (VCV003777766.9).